The following is an entry in ClinVar:

NM_001267550.2(TTN):c.26694G>A (p.Gly8898=)

Gene: TTN (titin; minus strand). Cytogenetic location: 2q31.2.
Variant type: single nucleotide variant.
Coding change: c.26694G>A on transcript NM_001267550.2 (MANE Select); coding-DNA position 26694, G replaced by A.
Protein change: p.Gly8898=; no amino-acid change (glycine 8898 retained).
Molecular consequence: synonymous variant. On other transcripts: intron variant (3).
Genome position (GRCh38, 1-based): chr2:178,713,964, C>T on the plus strand (G>A on the coding strand, the complement: TTN is on the minus strand). VCF-style: chr2-178713964-C-T. GRCh37 (hg19) VCF-style: chr2-179578691-C-T.
Other names: c.25743G>A, p.Gly8581= (NM_001256850.1); c.22962G>A, p.Gly7654= (NM_133378.4); c.13282+24118G>A (NM_003319.4); c.13858+24118G>A (NM_133437.4); c.13657+24118G>A (NM_133432.3).
Identifiers: ClinVar variation 2651676 (VCV002651676.24), dbSNP rs199525540, ClinGen allele CA430113621.

ClinVar aggregate classification (germline): Likely benign (1 of 4 stars; one submission).

gnomAD v4.1: 1 of 1,613,576 alleles (0.000062%); highest among the groups gnomAD compares: Non-Finnish European, 0.000085%; no homozygotes.

Submission:

CeGaT Center for Human Genetics Tuebingen
Classification: Likely benign. Last evaluated: 2023-07-01. Review status: criteria provided, single submitter. Criteria: CeGaT Center For Human Genetics Tuebingen Variant Classification Criteria Version 2. Collection method: clinical testing. Allele origin: germline. Affected: yes. Observed: 1 variant allele.
Comment: TTN: PM2:Supporting, BP4, BP7